The following is an entry in ClinVar:

NM_015631.6(TCTN3):c.390C>G (p.Ser130Arg)

Gene: TCTN3 (tectonic family member 3; minus strand). Cytogenetic location: 10q24.1.
Variant type: single nucleotide variant.
Coding change: c.390C>G on transcript NM_015631.6 (MANE Select); coding-DNA position 390, C replaced by G.
Protein change: p.Ser130Arg; replaces serine 130 with arginine.
Molecular consequence: missense variant.
Genome position (GRCh38, 1-based): chr10:95,693,029, G>C on the plus strand (C>G on the coding strand, the complement: TCTN3 is on the minus strand). VCF-style: chr10-95693029-G-C. GRCh37 (hg19) VCF-style: chr10-97452786-G-C.
Other names: c.390C>G, p.Ser130Arg (NM_001143973.2); short protein forms S130R.
Identifiers: ClinVar variation 1308872 (VCV001308872.8), dbSNP rs533262975, ClinGen allele CA5621166.
Genomic context (GRCh38, chr10:95,693,029, plus strand): 5'-AACTCTTGAAGGAAACGGGGAATTACTCCTGAAGATAACAGAGTTGTCTACACAAACCCA[G>C]CTTGAAGACCTGTGAGGAAAGAGGAGGGAGAAGATATATTTAGAAGGGGCGGGGCAGGTC-3'
Protein context (NP_056446.4, residues 120-140): FCLPGSVRSS[Ser130Arg]WVCVDNSVIF

ClinVar aggregate classification (germline): Uncertain significance. Review status: criteria provided, multiple submitters, no conflicts (2 of 4 stars). 3 submissions from 3 submitters: Uncertain significance (3). Last evaluated 2022-07-06.

Conditions:
Joubert syndrome 18 (JBTS18). Identifiers: Orphanet 2754, MedGen C3553758, MONDO:0013896, OMIM 614815.
Orofacial-digital syndrome IV (OFD4). Also called: BARAITSER-BURN SYNDROME; MOHR-MAJEWSKI SYNDROME; OFD SYNDROME WITH TIBIAL DEFECTS; OFD SYNDROME, BARAITSER-BURN TYPE; OFDS IV; ORAL-FACIAL-DIGITAL SYNDROME, TYPE IV. Identifiers: Orphanet 2753, MedGen C0406727, MONDO:0009794, OMIM 258860.

Allele frequency attached by ClinVar (database versions not stated): TOPMed 0.00001.

Submissions (3):

Labcorp Genetics (formerly Invitae), Labcorp
Classification: Uncertain significance for Joubert syndrome 18; Orofacial-digital syndrome IV. Last evaluated: 2022-07-06. Review status: criteria provided, single submitter. Criteria: Invitae Variant Classification Sherloc (09022015). Collection method: clinical testing. Allele origin: germline.
Comment: This sequence change replaces serine, which is neutral and polar, with arginine, which is basic and polar, at codon 130 of the TCTN3 protein (p.Ser130Arg). This variant is present in population databases (rs533262975, gnomAD 0.03%). This variant has not been reported in the literature in individuals affected with TCTN3-related conditions. ClinVar contains an entry for this variant (Variation ID: 1308872). Algorithms developed to predict the effect of missense changes on protein structure and function are either unavailable or do not agree on the potential impact of this missense change (SIFT: "Tolerated"; PolyPhen-2: "Possibly Damaging"; Align-GVGD: "Class C0"). Algorithms developed to predict the effect of sequence changes on RNA splicing suggest that this variant may create or strengthen a splice site. In summary, the available evidence is currently insufficient to determine the role of this variant in disease. Therefore, it has been classified as a Variant of Uncertain Significance.

GeneDx
Classification: Uncertain significance. Last evaluated: 2019-10-08. Review status: criteria provided, single submitter. Criteria: GeneDx Variant Classification Process June 2021. Collection method: clinical testing. Allele origin: germline. Affected: yes.
Comment: In silico analysis, which includes protein predictors and evolutionary conservation, supports a deleterious effect; Has not been previously published as pathogenic or benign to our knowledge

Revvity Omics, Revvity
Classification: Uncertain significance. Last evaluated: 2019-04-18. Review status: criteria provided, single submitter. Criteria: ACMG Guidelines, 2015. Collection method: clinical testing. Allele origin: germline.